The following is an entry in ClinVar:

NM_001003841.3(SLC6A19):c.327G>A (p.Pro109=)

Gene: SLC6A19 (solute carrier family 6 member 19; plus strand). Cytogenetic location: 5p15.33.
Variant type: single nucleotide variant.
Coding change: c.327G>A on transcript NM_001003841.3 (MANE Select); coding-DNA position 327, G replaced by A.
Protein change: p.Pro109=; no amino-acid change (proline 109 retained).
Molecular consequence: synonymous variant.
Genome position (GRCh38, 1-based): chr5:1,208,870, G>A. VCF-style: chr5-1208870-G-A. GRCh37 (hg19) VCF-style: chr5-1208985-G-A.
Other names: p.Pro109=.
Identifiers: ClinVar variation 710959 (VCV000710959.13), dbSNP rs114684753, ClinGen allele CA3182654.

ClinVar aggregate classification (germline): Benign. Review status: criteria provided, multiple submitters, no conflicts (2 of 4 stars). 3 submissions from 3 submitters: Benign (3). Last evaluated 2026-01-26.

Allele frequency attached by ClinVar (database versions not stated): gnomAD exomes 0.00114; ExAC 0.00144; ESP Exome Variant Server 0.00439; gnomAD 0.00447; 1000 Genomes Project 0.00519; TOPMed 0.00553; 1000 Genomes Project 30x 0.00609.
gnomAD v4.1: 1,454 of 1,612,100 alleles (0.09%); highest among the groups gnomAD compares: African/African-American, 1.7%; 12 homozygotes.

Submissions (3):

Labcorp Genetics (formerly Invitae), Labcorp
Classification: Benign. Last evaluated: 2026-01-26. Review status: criteria provided, single submitter. Criteria: Invitae Variant Classification Sherloc (09022015). Collection method: clinical testing. Allele origin: germline.

Mayo Clinic Laboratories, Mayo Clinic
Classification: Benign. Last evaluated: 2024-05-01. Review status: criteria provided, single submitter. Criteria: ACMG Guidelines, 2015. Collection method: clinical testing. Allele origin: germline. Observed: 3 variant alleles.
Comment: BS1, BS2, BP4, BP7

Breakthrough Genomics
Classification: Benign. Review status: criteria provided, single submitter. Criteria: ACMG Guidelines, 2015. Collection method: not provided. Allele origin: germline. Inheritance: Autosomal recessive inheritance. Affected: yes.